The following is an entry in ClinVar:

ClinVar aggregate classification (germline): Uncertain significance. Review status: criteria provided, multiple submitters, no conflicts (2 of 4 stars). 5 submissions from 5 submitters: Uncertain significance (5). Last evaluated 2025-08-08.

Conditions:
Joubert syndrome. Also called: Familial aplasia of the vermis; JOUBERT-BOLTSHAUSER SYNDROME. Identifiers: Orphanet 475, MedGen C5979921, MONDO:0018772.
Inborn genetic diseases. Identifiers: MedGen C0950123, MeSH D030342.
Joubert syndrome 3 (JBTS3). Also called: AHI1-related Ciliopathy. Identifiers: Orphanet 220493, MedGen C1837713, MONDO:0012078, OMIM 608629.

Allele frequency attached by ClinVar (database versions not stated): gnomAD exomes 0.00008 and 0.00023; ExAC 0.00011; TOPMed 0.00011; gnomAD 0.00014 and 0.00015; ESP Exome Variant Server 0.00025.
gnomAD v4.1: 369 of 1,613,532 alleles (0.023%); highest among the groups gnomAD compares: Non-Finnish European, 0.029%; no homozygotes.

Submissions (5):

Ambry Genetics
Classification: Uncertain significance for Inborn genetic diseases. Last evaluated: 2025-08-08. Review status: criteria provided, single submitter. Criteria: Ambry Variant Classification Scheme 2023. Collection method: clinical testing. Allele origin: germline.

Fulgent Genetics
Classification: Uncertain significance for Joubert syndrome 3. Last evaluated: 2024-06-18. Review status: criteria provided, single submitter. Criteria: ACMG Guidelines, 2015. Collection method: clinical testing. Allele origin: germline.

Blueprint Genetics
Classification: Uncertain significance. Last evaluated: 2024-03-28. Review status: criteria provided, single submitter. Criteria: ACMG Guidelines, 2015. Collection method: clinical testing. Allele origin: germline.

Labcorp Genetics (formerly Invitae), Labcorp
Classification: Uncertain significance for Joubert syndrome. Last evaluated: 2022-06-28. Review status: criteria provided, single submitter. Criteria: Invitae Variant Classification Sherloc (09022015). Collection method: clinical testing. Allele origin: germline.
Comment: This sequence change replaces aspartic acid, which is acidic and polar, with glycine, which is neutral and non-polar, at codon 741 of the AHI1 protein (p.Asp741Gly). This variant is present in population databases (rs369869567, gnomAD 0.02%). This variant has not been reported in the literature in individuals affected with AHI1-related conditions. ClinVar contains an entry for this variant (Variation ID: 904012). Algorithms developed to predict the effect of missense changes on protein structure and function are either unavailable or do not agree on the potential impact of this missense change (SIFT: "Deleterious"; PolyPhen-2: "Benign"; Align-GVGD: "Class C0"). In summary, the available evidence is currently insufficient to determine the role of this variant in disease. Therefore, it has been classified as a Variant of Uncertain Significance.

Illumina Laboratory Services, Illumina
Classification: Uncertain significance for Joubert syndrome 3. Last evaluated: 2018-01-12. Review status: criteria provided, single submitter. Criteria: ICSL Variant Classification Criteria 13 December 2019. Collection method: clinical testing. Allele origin: germline.

NM_001134831.2(AHI1):c.2222A>G (p.Asp741Gly)

Gene: AHI1 (Abelson helper integration site 1; minus strand). Cytogenetic location: 6q23.3.
Variant type: single nucleotide variant.
Coding change: c.2222A>G on transcript NM_001134831.2 (MANE Select); coding-DNA position 2222, A replaced by G.
Protein change: p.Asp741Gly; replaces aspartic acid 741 with glycine.
Molecular consequence: missense variant.
Genome position (GRCh38, 1-based): chr6:135,433,071, T>C on the plus strand (A>G on the coding strand, the complement: AHI1 is on the minus strand). VCF-style: chr6-135433071-T-C. GRCh37 (hg19) VCF-style: chr6-135754209-T-C.
Other names: c.2222A>G, p.Asp741Gly (NM_001134830.2, NM_001134832.2, NM_001350503.2 and 2 more transcripts); short protein forms D741G.
Identifiers: ClinVar variation 904012 (VCV000904012.14), dbSNP rs369869567, ClinGen allele CA4012422.